The following is an entry in ClinVar:

NM_000350.3(ABCA4):c.1849C>T (p.Gln617Ter)

Gene: ABCA4 (ATP binding cassette subfamily A member 4; minus strand). Cytogenetic location: 1p22.1.
Variant type: single nucleotide variant.
Coding change: c.1849C>T on transcript NM_000350.3 (MANE Select); coding-DNA position 1849, C replaced by T.
Protein change: p.Gln617Ter; replaces glutamine 617 with a stop codon.
Molecular consequence: nonsense.
Genome position (GRCh38, 1-based): chr1:94,062,665, G>A on the plus strand (C>T on the coding strand, the complement: ABCA4 is on the minus strand). VCF-style: chr1-94062665-G-A. GRCh37 (hg19) VCF-style: chr1-94528221-G-A.
Other names: c.1849C>T, p.Gln617Ter (NM_001425324.1); short protein forms Q617*.
Identifiers: ClinVar variation 4710678 (VCV004710678.1).

ClinVar aggregate classification (germline): Pathogenic (1 of 4 stars; one submission).

Submission:

Labcorp Genetics (formerly Invitae), Labcorp
Classification: Pathogenic. Last evaluated: 2025-04-23. Review status: criteria provided, single submitter. Criteria: Invitae Variant Classification Sherloc (09022015). Collection method: clinical testing. Allele origin: germline.
Comment: This sequence change creates a premature translational stop signal (p.Gln617*) in the ABCA4 gene. It is expected to result in an absent or disrupted protein product. Loss-of-function variants in ABCA4 are known to be pathogenic (PMID: 10958761, 24938718, 25312043, 26780318). This variant is not present in population databases (gnomAD no frequency). This premature translational stop signal has been observed in individual(s) with inherited retinal disease (PMID: 36460718). For these reasons, this variant has been classified as Pathogenic.

Literature cited by the submitters: PubMed 10958761; PubMed 24938718; PubMed 25312043; PubMed 26780318; PubMed 36460718.